The following is an entry in ClinVar:

ClinVar aggregate classification (germline): Likely benign (0 of 4 stars; one submission).

Conditions:
ITGAV-related disorder. Also called: ITGAV-related condition.

gnomAD v4.1: 5 of 1,613,354 alleles (0.00031%); highest among the groups gnomAD compares: Admixed American, 0.0033%; no homozygotes.

Submission:

PreventionGenetics, part of Exact Sciences
Classification: Likely benign for ITGAV-related condition. Last evaluated: 2024-06-12. Review status: no assertion criteria provided. Collection method: clinical testing. Allele origin: germline.
Comment: This variant is classified as likely benign based on ACMG/AMP sequence variant interpretation guidelines (Richards et al. 2015 PMID: 25741868, with internal and published modifications).

NM_002210.5(ITGAV):c.666A>G (p.Val222=)

Gene: ITGAV (integrin subunit alpha V; plus strand). Cytogenetic location: 2q32.1.
Variant type: single nucleotide variant.
Coding change: c.666A>G on transcript NM_002210.5 (MANE Select); coding-DNA position 666, A replaced by G.
Protein change: p.Val222=; no amino-acid change (valine 222 retained).
Molecular consequence: synonymous variant.
Genome position (GRCh38, 1-based): chr2:186,636,116, A>G. VCF-style: chr2-186636116-A-G. GRCh37 (hg19) VCF-style: chr2-187500843-A-G.
Other names: c.528A>G, p.Val176= (NM_001144999.3); c.558A>G, p.Val186= (NM_001145000.3).
Identifiers: ClinVar variation 3347183 (VCV003347183.1).